The following is an entry in ClinVar:

ClinVar aggregate classification (germline): Uncertain significance (1 of 4 stars; one submission).

Conditions:
FG syndrome (FGS). Identifiers: MedGen C0220769, MONDO:0002010.

Allele frequency attached by ClinVar (database versions not stated): gnomAD exomes below 0.00001.
gnomAD v4.1: 3 of 1,206,986 alleles (0.00025%); no homozygotes.

Submission:

Labcorp Genetics (formerly Invitae), Labcorp
Classification: Uncertain significance for FG syndrome. Last evaluated: 2023-11-15. Review status: criteria provided, single submitter. Criteria: Invitae Variant Classification Sherloc (09022015). Collection method: clinical testing. Allele origin: germline.
Comment: This sequence change affects codon 33 of the MED12 mRNA. It is a 'silent' change, meaning that it does not change the encoded amino acid sequence of the MED12 protein. This variant also falls at the last nucleotide of exon 1, which is part of the consensus splice site for this exon. This variant is not present in population databases (gnomAD no frequency). This variant has not been reported in the literature in individuals affected with MED12-related conditions. Variants that disrupt the consensus splice site are a relatively common cause of aberrant splicing (PMID: 17576681, 9536098). Algorithms developed to predict the effect of sequence changes on RNA splicing suggest that this variant may disrupt the consensus splice site. In summary, the available evidence is currently insufficient to determine the role of this variant in disease. Therefore, it has been classified as a Variant of Uncertain Significance.

Literature cited by the submitters: PubMed 17576681; PubMed 9536098.

NM_005120.3(MED12):c.99G>A (p.Glu33=)

Gene: MED12 (mediator complex subunit 12; plus strand). Cytogenetic location: Xq13.1.
Variant type: single nucleotide variant.
Coding change: c.99G>A on transcript NM_005120.3 (MANE Select); coding-DNA position 99, G replaced by A.
Protein change: p.Glu33=; no amino-acid change (glutamic acid 33 retained).
Molecular consequence: synonymous variant.
Genome position (GRCh38, 1-based): chrX:71,118,853, G>A. VCF-style: chrX-71118853-G-A. GRCh37 (hg19) VCF-style: chrX-70338703-G-A.
Identifiers: ClinVar variation 2696252 (VCV002696252.3), dbSNP rs2147767229, ClinGen allele CA516707305.